The following is an entry in ClinVar:

NM_001164665.2(KIAA1549):c.1607C>T (p.Pro536Leu)

Gene: KIAA1549 (KIAA1549; minus strand). Cytogenetic location: 7q34.
Variant type: single nucleotide variant.
Coding change: c.1607C>T on transcript NM_001164665.2 (MANE Select); coding-DNA position 1607, C replaced by T.
Protein change: p.Pro536Leu; replaces proline 536 with leucine.
Molecular consequence: missense variant.
Genome position (GRCh38, 1-based): chr7:138,918,019, G>A on the plus strand (C>T on the coding strand, the complement: KIAA1549 is on the minus strand). VCF-style: chr7-138918019-G-A. GRCh37 (hg19) VCF-style: chr7-138602765-G-A.
Other names: c.1607C>T, p.Pro536Leu (NM_020910.3); short protein forms P536L.
Identifiers: ClinVar variation 1970190 (VCV001970190.5), dbSNP rs374267785, ClinGen allele CA4506673.

ClinVar aggregate classification (germline): Uncertain significance (1 of 4 stars; one submission).

Allele frequency attached by ClinVar (database versions not stated): gnomAD exomes below 0.00001; TOPMed 0.00006; ExAC 0.00003; gnomAD 0.00003; ESP Exome Variant Server 0.00008.
gnomAD v4.1: 8 of 1,606,336 alleles (0.0005%); highest among the groups gnomAD compares: African/African-American, 0.0094%; no homozygotes.

Submission:

Labcorp Genetics (formerly Invitae), Labcorp
Classification: Uncertain significance. Last evaluated: 2025-06-16. Review status: criteria provided, single submitter. Criteria: Invitae Variant Classification Sherloc (09022015). Collection method: clinical testing. Allele origin: germline.
Comment: This sequence change replaces proline, which is neutral and non-polar, with leucine, which is neutral and non-polar, at codon 536 of the KIAA1549 protein (p.Pro536Leu). This variant is present in population databases (rs374267785, gnomAD 0.01%). This variant has not been reported in the literature in individuals affected with KIAA1549-related conditions. ClinVar contains an entry for this variant (Variation ID: 1970190). An algorithm developed to predict the effect of missense changes on protein structure and function (PolyPhen-2) suggests that this variant is likely to be tolerated. In summary, the available evidence is currently insufficient to determine the role of this variant in disease. Therefore, it has been classified as a Variant of Uncertain Significance.